The following is an entry in ClinVar:

ClinVar aggregate classification (germline): Conflicting classifications of pathogenicity. Review status: criteria provided, conflicting classifications (1 of 4 stars). 2 submissions from 2 submitters: Uncertain significance (1); Likely benign (1). Last evaluated 2024-12-26.

Conditions:
Hereditary cancer-predisposing syndrome. Also called: Hereditary neoplastic syndrome; Neoplastic Syndromes, Hereditary; Tumor predisposition; Hereditary Cancer Syndrome. Identifiers: Orphanet 140162, MedGen C0027672, MeSH D009386, MONDO:0015356.
EGFR-related lung cancer (EGFR). Identifiers: MedGen CN130014.

Allele frequency attached by ClinVar (database versions not stated): gnomAD exomes below 0.00001; ExAC 0.00001; TOPMed 0.00002.
gnomAD v4.1: 2 of 1,614,234 alleles (0.00012%); highest among the groups gnomAD compares: East Asian, 0.0045%; no homozygotes.

Submissions (2):

Labcorp Genetics (formerly Invitae), Labcorp
Classification: Uncertain significance for EGFR-related lung cancer. Last evaluated: 2024-12-26. Review status: criteria provided, single submitter. Criteria: Invitae Variant Classification Sherloc (09022015). Collection method: clinical testing. Allele origin: germline.
Comment: This sequence change replaces asparagine, which is neutral and polar, with aspartic acid, which is acidic and polar, at codon 528 of the EGFR protein (p.Asn528Asp). This variant is present in population databases (rs762336338, gnomAD 0.006%). This missense change has been observed in individual(s) with breast cancer (PMID: 28135048). ClinVar contains an entry for this variant (Variation ID: 1004521). Invitae Evidence Modeling of protein sequence and biophysical properties (such as structural, functional, and spatial information, amino acid conservation, physicochemical variation, residue mobility, and thermodynamic stability) indicates that this missense variant is not expected to disrupt EGFR protein function with a negative predictive value of 80%. Experimental studies have shown that this missense change does not substantially affect EGFR function (PMID: 28979142). In summary, the available evidence is currently insufficient to determine the role of this variant in disease. Therefore, it has been classified as a Variant of Uncertain Significance.

Ambry Genetics
Classification: Likely benign for Hereditary cancer-predisposing syndrome. Last evaluated: 2024-10-17. Review status: criteria provided, single submitter. Criteria: Ambry Variant Classification Scheme 2023. Collection method: clinical testing. Allele origin: germline.

Literature cited by the submitters: PubMed 28135048 (cited by Labcorp Genetics (formerly Invitae), Labcorp); PubMed 28979142 (cited by Labcorp Genetics (formerly Invitae), Labcorp).

NM_005228.5(EGFR):c.1582A>G (p.Asn528Asp)

Gene: EGFR (epidermal growth factor receptor; plus strand). Cytogenetic location: 7p11.2.
Variant type: single nucleotide variant.
Coding change: c.1582A>G on transcript NM_005228.5 (MANE Select); coding-DNA position 1582, A replaced by G.
Protein change: p.Asn528Asp; replaces asparagine 528 with aspartic acid.
Molecular consequence: missense variant.
Genome position (GRCh38, 1-based): chr7:55,161,582, A>G. VCF-style: chr7-55161582-A-G. GRCh37 (hg19) VCF-style: chr7-55229275-A-G.
Other names: c.1582A>G (NM_005228.3); c.1447A>G, p.Asn483Asp (NM_001346897.2, NM_001346899.2); c.1582A>G, p.Asn528Asp (NM_001346898.2, NM_201282.2, NM_201284.2); c.1423A>G, p.Asn475Asp (NM_001346900.2); c.781A>G, p.Asn261Asp (NM_001346941.2); short protein forms N261D, N475D, N483D, N528D.
Identifiers: ClinVar variation 1004521 (VCV001004521.8), dbSNP rs762336338, ClinGen allele CA4265621.